The following is an entry in ClinVar:

NM_173598.6(KSR2):c.884C>G (p.Ser295Cys)

Gene: KSR2 (kinase suppressor of ras 2; minus strand). Cytogenetic location: 12q24.23.
Variant type: single nucleotide variant.
Coding change: c.884C>G on transcript NM_173598.6 (MANE Select); coding-DNA position 884, C replaced by G.
Protein change: p.Ser295Cys; replaces serine 295 with cysteine.
Molecular consequence: missense variant.
Genome position (GRCh38, 1-based): chr12:117,761,113, G>C on the plus strand (C>G on the coding strand, the complement: KSR2 is on the minus strand). VCF-style: chr12-117761113-G-C. GRCh37 (hg19) VCF-style: chr12-118198918-G-C.
Other names: short protein forms S295C.
Identifiers: ClinVar variation 3349784 (VCV003349784.1).

ClinVar aggregate classification (germline): Uncertain significance (0 of 4 stars; one submission).

Conditions:
KSR2-related disorder. Also called: KSR2-related condition.

Submission:

PreventionGenetics, part of Exact Sciences
Classification: Uncertain significance for KSR2-related condition. Last evaluated: 2023-12-21. Review status: no assertion criteria provided. Collection method: clinical testing. Allele origin: germline.
Comment: The KSR2 c.797C>G variant is predicted to result in the amino acid substitution p.Ser266Cys. To our knowledge, this variant has not been reported in the literature or in a large population database, indicating this variant is rare. At this time, the clinical significance of this variant is uncertain due to the absence of conclusive functional and genetic evidence.